The following is an entry in ClinVar:

NM_003049.4(SLC10A1):c.601_611del (p.Ala201fs)

Gene: SLC10A1 (solute carrier family 10 member 1; minus strand). Cytogenetic location: 14q24.1.
Variant type: Deletion.
Coding change: c.601_611del on transcript NM_003049.4 (MANE Select); coding-DNA positions 601 to 611, 11 bases deleted (GCCGTCACAGT).
Protein change: p.Ala201fs; shifts the reading frame from alanine 201.
Molecular consequence: frameshift variant.
Genome position (GRCh38, 1-based): chr14:69,779,317-69,779,327, ACTGTGACGGC deleted on the plus strand (GCCGTCACAGT on the coding strand, the reverse complement: SLC10A1 is on the minus strand). VCF-style (leftmost placement, unchanged base first): chr14-69779316-AACTGTGACGGC-A. GRCh37 (hg19) VCF-style: chr14-70246033-AACTGTGACGGC-A.
Other names: c.601_611del11 (NM_003049.3); short protein forms A201fs.
Identifiers: ClinVar variation 617633 (VCV000617633.2), dbSNP rs1566634876.

ClinVar aggregate classification (germline): Pathogenic (1 of 4 stars; one submission).

Conditions:
SLC10A1-related disorder. Also called: SLC10A1-related condition.

Submission:

PreventionGenetics, part of Exact Sciences
Classification: Pathogenic for SLC10A1-related condition. Last evaluated: 2026-08-31. Review status: criteria provided, single submitter. Criteria: ACMG Guidelines, 2015. Collection method: clinical testing. Allele origin: germline.
Comment: The SLC10A1 c.601_611del11 variant is predicted to result in a frameshift and premature protein termination (p.Ala201Serfs*73). This variant has been reported in the compound heterozygous state in an individual with pruritus, cholestasis, mild liver fibrosis, and high serum bile salts (Patient 1 in Table 2, Salmon et al. 2019. PubMed ID: 30377382). This variant has not been reported in a large population database (gnomad), indicating this variant is rare. This variant is classified as pathogenic.